The following is an entry in ClinVar:

NM_024721.5(ZFHX4):c.9133C>A (p.Arg3045=)

Gene: ZFHX4 (zinc finger homeobox 4; plus strand). Cytogenetic location: 8q21.13.
Variant type: single nucleotide variant.
Coding change: c.9133C>A on transcript NM_024721.5 (MANE Select); coding-DNA position 9133, C replaced by A.
Protein change: p.Arg3045=; no amino-acid change (arginine 3045 retained).
Molecular consequence: synonymous variant.
Genome position (GRCh38, 1-based): chr8:76,856,054, C>A. VCF-style: chr8-76856054-C-A. GRCh37 (hg19) VCF-style: chr8-77768290-C-A.
Other names: c.9055C>A, p.Arg3019= (NM_001410934.1).
Identifiers: ClinVar variation 3050099 (VCV003050099.2), dbSNP rs145665241, ClinGen allele CA4788296.

ClinVar aggregate classification (germline): Benign (0 of 4 stars; one submission).

Conditions:
ZFHX4-related disorder. Also called: ZFHX4-related condition.

Allele frequency attached by ClinVar (database versions not stated): ESP Exome Variant Server 0.00008; TOPMed 0.00112; gnomAD exomes 0.00156; 1000 Genomes Project 30x 0.00219.
gnomAD v4.1: 2,569 of 1,613,940 alleles (0.16%); highest among the groups gnomAD compares: East Asian, 3.1%; 26 homozygotes.

Submission:

PreventionGenetics, part of Exact Sciences
Classification: Benign for ZFHX4-related condition. Last evaluated: 2019-03-18. Review status: no assertion criteria provided. Collection method: clinical testing. Allele origin: germline.
Comment: This variant is classified as benign based on ACMG/AMP sequence variant interpretation guidelines (Richards et al. 2015 PMID: 25741868, with internal and published modifications).